The following is an entry in ClinVar:

NM_001040108.2(MLH3):c.2125A>G (p.Ile709Val)

Gene: MLH3 (mutL homolog 3; minus strand). Cytogenetic location: 14q24.3.
Variant type: single nucleotide variant.
Coding change: c.2125A>G on transcript NM_001040108.2 (MANE Select); coding-DNA position 2125, A replaced by G.
Protein change: p.Ile709Val; replaces isoleucine 709 with valine.
Molecular consequence: missense variant.
Genome position (GRCh38, 1-based): chr14:75,047,531, T>C on the plus strand (A>G on the coding strand, the complement: MLH3 is on the minus strand). VCF-style: chr14-75047531-T-C. GRCh37 (hg19) VCF-style: chr14-75514234-T-C.
Other names: c.2125A>G, p.Ile709Val (NM_014381.3); short protein forms I709V.
Identifiers: ClinVar variation 1786305 (VCV001786305.7), dbSNP rs1356830237, ClinGen allele CA390441619.
Genomic context (GRCh38, chr14:75,047,531, plus strand): 5'-TCCTACTATCATTGGAAACGTGTCTATACCAGGGGAAAGAGGGGGATGTATCAGATAATA[T>C]GCAATCTGTTTGTGATTTTTTGCTACCTTCCTGAAAAGCAGAAAACATTGTATAAGTTGC-3'
Protein context (NP_001035197.1, residues 699-719): EGSKKSQTDC[Ile709Val]LSDTSPSFPW

ClinVar aggregate classification (germline): Uncertain significance. Review status: criteria provided, multiple submitters, no conflicts (2 of 4 stars). 2 submissions from 2 submitters: Uncertain significance (2). Last evaluated 2024-02-22.

Conditions:
Colorectal cancer, hereditary nonpolyposis, type 7. Identifiers: Orphanet 144, MedGen C1858380, MONDO:0013725, OMIM 614385.

Allele frequency attached by ClinVar (database versions not stated): gnomAD exomes below 0.00001.
gnomAD v4.1: 1 of 1,614,058 alleles (0.000062%); highest among the groups gnomAD compares: South Asian, 0.0011%; no homozygotes.

Submissions (2):

Ambry Genetics
Classification: Uncertain significance. Last evaluated: 2024-02-22. Review status: criteria provided, single submitter. Criteria: Ambry Variant Classification Scheme 2023. Collection method: clinical testing. Allele origin: germline.
Comment: The p.I709V variant (also known as c.2125A>G), located in coding exon 1 of the MLH3 gene, results from an A to G substitution at nucleotide position 2125. The isoleucine at codon 709 is replaced by valine, an amino acid with highly similar properties. This amino acid position is conserved. In addition, this alteration is predicted to be tolerated by in silico analysis. Since supporting evidence is limited at this time, the clinical significance of this alteration remains unclear.

Labcorp Genetics (formerly Invitae), Labcorp
Classification: Uncertain significance for Colorectal cancer, hereditary nonpolyposis, type 7. Last evaluated: 2022-10-12. Review status: criteria provided, single submitter. Criteria: Invitae Variant Classification Sherloc (09022015). Collection method: clinical testing. Allele origin: germline.
Comment: In summary, the available evidence is currently insufficient to determine the role of this variant in disease. Therefore, it has been classified as a Variant of Uncertain Significance. Algorithms developed to predict the effect of missense changes on protein structure and function (SIFT, PolyPhen-2, Align-GVGD) all suggest that this variant is likely to be tolerated. This variant has not been reported in the literature in individuals affected with MLH3-related conditions. This variant is present in population databases (no rsID available, gnomAD 0.003%). This sequence change replaces isoleucine, which is neutral and non-polar, with valine, which is neutral and non-polar, at codon 709 of the MLH3 protein (p.Ile709Val).